The following is an entry in ClinVar:

NM_213599.3(ANO5):c.1056G>A (p.Met352Ile)

Gene: ANO5 (anoctamin 5; plus strand). Cytogenetic location: 11p14.3.
Variant type: single nucleotide variant.
Coding change: c.1056G>A on transcript NM_213599.3 (MANE Select); coding-DNA position 1056, G replaced by A.
Protein change: p.Met352Ile; replaces methionine 352 with isoleucine.
Molecular consequence: missense variant.
Genome position (GRCh38, 1-based): chr11:22,250,783, G>A. VCF-style: chr11-22250783-G-A. GRCh37 (hg19) VCF-style: chr11-22272329-G-A.
Other names: c.1053G>A, p.Met351Ile (NM_001142649.2); c.1014G>A, p.Met338Ile (NM_001410963.1); c.1011G>A, p.Met337Ile (NM_001410964.1); short protein forms M338I, M351I, M352I, M337I.
Identifiers: ClinVar variation 2007273 (VCV002007273.4), dbSNP rs1853788035, ClinGen allele CA379921037.

ClinVar aggregate classification (germline): Uncertain significance (1 of 4 stars; one submission).

Conditions:
Gnathodiaphyseal dysplasia (GDD). Also called: GNATHODIAPHYSEAL SCLEROSIS; OSTEOGENESIS IMPERFECTA WITH UNUSUAL SKELETAL LESIONS. Identifiers: Orphanet 53697, MedGen C1833736, MONDO:0008151, OMIM 166260.
Autosomal recessive limb-girdle muscular dystrophy type 2L (LGMDR12). Also called: MUSCULAR DYSTROPHY, LIMB-GIRDLE, AUTOSOMAL RECESSIVE 12; Limb-girdle muscular dystrophy, type 2L; Limb-Girdle Muscular Dystrophy R12 Anoctamin-5-Related (LGMD-R12). Identifiers: Orphanet 206549, MedGen C1969785, MONDO:0012652, OMIM 611307.

gnomAD v4.1: 3 of 1,614,084 alleles (0.00019%); highest among the groups gnomAD compares: Non-Finnish European, 0.00025%; no homozygotes.

Submission:

Labcorp Genetics (formerly Invitae), Labcorp
Classification: Uncertain significance for Autosomal recessive limb-girdle muscular dystrophy type 2L; Gnathodiaphyseal dysplasia. Last evaluated: 2023-12-19. Review status: criteria provided, single submitter. Criteria: Invitae Variant Classification Sherloc (09022015). Collection method: clinical testing. Allele origin: germline.
Comment: This sequence change replaces methionine, which is neutral and non-polar, with isoleucine, which is neutral and non-polar, at codon 352 of the ANO5 protein (p.Met352Ile). This variant is not present in population databases (gnomAD no frequency). This variant has not been reported in the literature in individuals affected with ANO5-related conditions. ClinVar contains an entry for this variant (Variation ID: 2007273). Advanced modeling of protein sequence and biophysical properties (such as structural, functional, and spatial information, amino acid conservation, physicochemical variation, residue mobility, and thermodynamic stability) performed at Invitae indicates that this missense variant is expected to disrupt ANO5 protein function with a positive predictive value of 95%. In summary, the available evidence is currently insufficient to determine the role of this variant in disease. Therefore, it has been classified as a Variant of Uncertain Significance.